The following is an entry in ClinVar:

ClinVar aggregate classification (germline): Likely benign (0 of 4 stars; one submission).

Conditions:
NOS1-related disorder. Also called: NOS1-related condition.

Allele frequency attached by ClinVar (database versions not stated): gnomAD exomes 0.00013; ExAC 0.00032; ESP Exome Variant Server 0.00113; gnomAD 0.00134; TOPMed 0.00164; 1000 Genomes Project 0.00180; 1000 Genomes Project 30x 0.00187.
gnomAD v4.1: 400 of 1,614,136 alleles (0.025%); highest among the groups gnomAD compares: African/African-American, 0.45%; no homozygotes.

Submission:

PreventionGenetics, part of Exact Sciences
Classification: Likely benign for NOS1-related condition. Last evaluated: 2019-10-28. Review status: no assertion criteria provided. Collection method: clinical testing. Allele origin: germline.
Comment: This variant is classified as likely benign based on ACMG/AMP sequence variant interpretation guidelines (Richards et al. 2015 PMID: 25741868, with internal and published modifications).

NM_000620.5(NOS1):c.3159C>T (p.Ile1053=)

Gene: NOS1 (nitric oxide synthase 1; minus strand). Cytogenetic location: 12q24.22.
Variant type: single nucleotide variant.
Coding change: c.3159C>T on transcript NM_000620.5 (MANE Select); coding-DNA position 3159, C replaced by T.
Protein change: p.Ile1053=; no amino-acid change (isoleucine 1053 retained).
Molecular consequence: synonymous variant.
Genome position (GRCh38, 1-based): chr12:117,234,641, G>A on the plus strand (C>T on the coding strand, the complement: NOS1 is on the minus strand). VCF-style: chr12-117234641-G-A. GRCh37 (hg19) VCF-style: chr12-117672446-G-A.
Other names: c.2151C>T, p.Ile717= (NM_001204213.2, NM_001204214.2); c.3261C>T, p.Ile1087= (NM_001204218.2).
Identifiers: ClinVar variation 3034912 (VCV003034912.2), dbSNP rs41413747, ClinGen allele CA6814587.
Genomic context (GRCh38, chr12:117,234,641, plus strand): 5'-CTCCTCCAGCAGTTCCACTTTCACCATCTGGTTGACAGGCGGCGCGTCCTCCAGCCGCTC[G>A]ATCAGGGCATTCACGAGGTCCTCGTGGTTGCCAGGGAAGACACCCAGGTGGTCCCCAGGC-3'
Protein context (NP_000611.1, residues 1043-1063): GNHEDLVNAL[Ile1053=]ERLEDAPPVN